The following is an entry in ClinVar:

NM_000455.5(STK11):c.438_440delinsCCC (p.Lys146_Arg147delinsAsnPro)

Gene: STK11 (serine/threonine kinase 11; plus strand). Cytogenetic location: 19p13.3.
Variant type: Indel.
Coding change: c.438_440delinsCCC on transcript NM_000455.5 (MANE Select); coding-DNA positions 438 to 440, GCG replaced by CCC.
Protein change: p.Lys146_Arg147delinsAsnPro.
Molecular consequence: missense variant. On other transcripts: non-coding transcript variant (1).
Genome position (GRCh38, 1-based): chr19:1,219,387-1,219,389, GCG replaced by CCC. VCF-style: chr19-1219387-GCG-CCC. GRCh37 (hg19) VCF-style: chr19-1219386-GCG-CCC.
Other names: c.438_440delinsCCC, p.Lys146_Arg147delinsAsnPro (NM_001407255.1).
Identifiers: ClinVar variation 4176622 (VCV004176622.1).

ClinVar aggregate classification (germline): Uncertain significance (1 of 4 stars; one submission).

Conditions:
Hereditary cancer-predisposing syndrome. Also called: Neoplastic Syndromes, Hereditary; Tumor predisposition; Hereditary Cancer Syndrome; Hereditary neoplastic syndrome. Identifiers: Orphanet 140162, MedGen C0027672, MeSH D009386, MONDO:0015356.

Submission:

Ambry Genetics
Classification: Uncertain significance for Hereditary cancer-predisposing syndrome. Last evaluated: 2025-08-28. Review status: criteria provided, single submitter. Criteria: Ambry Variant Classification Scheme 2023. Collection method: clinical testing. Allele origin: germline.
Comment: The c.438_440delGCGinsCCC variant (also known as p.K146_R147delinsNP), located in coding exon 3 of the STK11 gene, results from an in-frame deletion of GCG and insertion of CCC at nucleotide positions 438 to 440. This results in the substitution of the K and R residues for N and P residues at codon 146 and 147. This amino acid region is highly conserved in available vertebrate species. In addition, this variant is predicted to be deleterious by in silico analysis (Choi Y et al. PLoS ONE. 2012; 7(10):e46688). Based on the available evidence, the clinical significance of this variant remains unclear.